The following is an entry in ClinVar:

ClinVar aggregate classification (germline): Uncertain significance. Review status: criteria provided, multiple submitters, no conflicts (2 of 4 stars). 2 submissions from 2 submitters: Uncertain significance (2). Last evaluated 2026-04-08.

Conditions:
Intellectual developmental disorder, autosomal dominant 1. Also called: Intellectual disability, autosomal dominant 1; MBD5 Haploinsufficiency. Identifiers: Orphanet 228402, MedGen C1969562, MONDO:0007974, OMIM 156200.

Allele frequency attached by ClinVar (database versions not stated): gnomAD exomes below 0.00001 and 0.00001; TOPMed 0.00001.
gnomAD v4.1: 10 of 1,613,878 alleles (0.00062%); highest among the groups gnomAD compares: South Asian, 0.0044%; no homozygotes.

Submissions (2):

Women's Health and Genetics/Laboratory Corporation of America, LabCorp
Classification: Uncertain significance. Last evaluated: 2026-04-08. Review status: criteria provided, single submitter. Criteria: LabCorp Variant Classification Summary - May 2015. Collection method: clinical testing. Allele origin: germline.
Comment: Variant summary: MBD5 c.3690G>T (p.Arg1230Ser) results in a non-conservative amino acid change in the encoded protein sequence. Algorithms developed to predict the effect of missense changes on protein structure and function are either unavailable or do not agree on the potential impact of this missense change. The variant allele was found at a frequency of 4e-06 in 251070 control chromosomes. The available data on variant occurrences in the general population are insufficient to allow any conclusion about variant significance. To our knowledge, no occurrence of c.3690G>T in individuals affected with MBD5-related conditions and no experimental evidence demonstrating its impact on protein function have been reported. ClinVar contains an entry for this variant (Variation ID: 857233). Based on the evidence outlined above, the variant was classified as uncertain significance.

Labcorp Genetics (formerly Invitae), Labcorp
Classification: Uncertain significance for Intellectual developmental disorder, autosomal dominant 1. Last evaluated: 2025-01-06. Review status: criteria provided, single submitter. Criteria: Invitae Variant Classification Sherloc (09022015). Collection method: clinical testing. Allele origin: germline.
Comment: This sequence change replaces arginine, which is basic and polar, with serine, which is neutral and polar, at codon 1230 of the MBD5 protein (p.Arg1230Ser). This variant is present in population databases (no rsID available, gnomAD 0.003%). This variant has not been reported in the literature in individuals affected with MBD5-related conditions. ClinVar contains an entry for this variant (Variation ID: 857233). Experimental studies and prediction algorithms are not available or were not evaluated, and the functional significance of this variant is currently unknown. In summary, the available evidence is currently insufficient to determine the role of this variant in disease. Therefore, it has been classified as a Variant of Uncertain Significance.

NM_001378120.1(MBD5):c.4389G>T (p.Arg1463Ser)

Gene: MBD5 (methyl-CpG binding domain protein 5; plus strand). Cytogenetic location: 2q23.1.
Variant type: single nucleotide variant.
Coding change: c.4389G>T on transcript NM_001378120.1 (MANE Select); coding-DNA position 4389, G replaced by T.
Protein change: p.Arg1463Ser; replaces arginine 1463 with serine.
Molecular consequence: missense variant.
Genome position (GRCh38, 1-based): chr2:148,490,021, G>T. VCF-style: chr2-148490021-G-T. GRCh37 (hg19) VCF-style: chr2-149247590-G-T.
Other names: c.3690G>T, p.Arg1230Ser (NM_018328.5); short protein forms R1230S, R1463S.
Identifiers: ClinVar variation 857233 (VCV000857233.11), dbSNP rs1371018820, ClinGen allele CA348729154.